The following is an entry in ClinVar:

NM_001735.3(C5):c.3029C>T (p.Ala1010Val)

Gene: C5 (complement C5; minus strand). Cytogenetic location: 9q33.2.
Variant type: single nucleotide variant.
Coding change: c.3029C>T on transcript NM_001735.3 (MANE Select); coding-DNA position 3029, C replaced by T.
Protein change: p.Ala1010Val; replaces alanine 1010 with valine.
Molecular consequence: missense variant.
Genome position (GRCh38, 1-based): chr9:120,989,693, G>A on the plus strand (C>T on the coding strand, the complement: C5 is on the minus strand). VCF-style: chr9-120989693-G-A. GRCh37 (hg19) VCF-style: chr9-123751971-G-A.
Other names: c.3047C>T, p.Ala1016Val (NM_001317163.2); short protein forms A1010V, A1016V.
Identifiers: ClinVar variation 1174632 (VCV001174632.10), dbSNP rs34362143, ClinGen allele CA5217590.
Genomic context (GRCh38, chr9:120,989,693, plus strand): 5'-TGATTTCCTGTTTCCAGGTAGTGAAAAACATAGAATACTGGGACAACGCTCATCAGCTCC[G>A]CCTCTGCACTCCCTTTGGGGAGGTGGGTTAGGATATTGATGCCTTCCTGACTTAGAACTG-3'
Protein context (NP_001726.2, residues 1000-1020): LTHLPKGSAE[Ala1010Val]ELMSVVPVFY

ClinVar aggregate classification (germline): Conflicting classifications of pathogenicity. Review status: criteria provided, conflicting classifications (1 of 4 stars). 6 submissions from 6 submitters: Uncertain significance (2); Likely benign (1). 3 of the submissions do not count toward it. Last evaluated 2024-12-16.

Allele frequency attached by ClinVar (database versions not stated): 1000 Genomes Project 0.00040; 1000 Genomes Project 30x 0.00062; ESP Exome Variant Server 0.00062; ExAC 0.00066; gnomAD exomes 0.00070 and 0.00114; TOPMed 0.00084; gnomAD 0.00087 and 0.00094.
gnomAD v4.1: 1,810 of 1,613,786 alleles (0.11%); highest among the groups gnomAD compares: Non-Finnish European, 0.14%; 3 homozygotes.

Submissions (6):

Women's Health and Genetics/Laboratory Corporation of America, LabCorp
Classification: Likely benign. Last evaluated: 2024-12-16. Review status: criteria provided, single submitter. Criteria: LabCorp Variant Classification Summary - May 2015. Collection method: clinical testing. Allele origin: germline.
Comment: Variant summary: C5 c.3029C>T (p.Ala1010Val) results in a non-conservative amino acid change located in the A-macroglobulin TED domain (IPR011626) of the encoded protein sequence. Four of five in-silico tools predict a damaging effect of the variant on protein function. The variant allele was found at a frequency of 0.0011 in 1613786 control chromosomes in the gnomAD database, including 3 homozygotes. The observed variant frequency is approximately 10-fold of the estimated maximal expected allele frequency for a pathogenic variant in C5 causing C5 Deficiency phenotype (0.00011), providing evidence for a benign role. c.3029C>T has been reported in the literature in heterozygous individuals affected with primary immunodeficiency or unspecified neuroinflammatory disease without evidence of causality (e.g. McCreary_2019, Rudilla_2019). These reports do not provide unequivocal conclusions about association of the variant with C5 Deficiency. To our knowledge, no experimental evidence demonstrating an impact on protein function has been reported. The following publications have been ascertained in the context of this evaluation (PMID: 31664448, 31681265). ClinVar contains an entry for this variant (Variation ID: 1174632). Based on the evidence outlined above, the variant was classified as likely benign.

Blueprint Genetics
Classification: Uncertain significance. Last evaluated: 2024-10-31. Review status: criteria provided, single submitter. Criteria: ACMG Guidelines, 2015. Collection method: clinical testing. Allele origin: germline.

Labcorp Genetics (formerly Invitae), Labcorp
Classification: Uncertain significance. Last evaluated: 2022-10-16. Review status: criteria provided, single submitter. Criteria: Invitae Variant Classification Sherloc (09022015). Collection method: clinical testing. Allele origin: germline.
Comment: This sequence change replaces alanine, which is neutral and non-polar, with valine, which is neutral and non-polar, at codon 1010 of the C5 protein (p.Ala1010Val). This variant is present in population databases (rs34362143, gnomAD 0.1%), and has an allele count higher than expected for a pathogenic variant. This variant has not been reported in the literature in individuals affected with C5-related conditions. ClinVar contains an entry for this variant (Variation ID: 1174632). Algorithms developed to predict the effect of missense changes on protein structure and function (SIFT, PolyPhen-2, Align-GVGD) all suggest that this variant is likely to be tolerated. In summary, the available evidence is currently insufficient to determine the role of this variant in disease. Therefore, it has been classified as a Variant of Uncertain Significance.

Clinical Genetics DNA and cytogenetics Diagnostics Lab, Erasmus MC, Erasmus Medical Center
Classification: Likely benign. Review status: no assertion criteria provided. Collection method: clinical testing. Allele origin: germline. Affected: yes. Study: VKGL Data-share Consensus. Not counted in ClinVar's aggregate classification.

Diagnostic Laboratory, Department of Genetics, University Medical Center Groningen
Classification: Likely benign. Review status: no assertion criteria provided. Collection method: clinical testing. Allele origin: germline. Affected: yes. Study: VKGL Data-share Consensus. Not counted in ClinVar's aggregate classification.

Genome Diagnostics Laboratory, University Medical Center Utrecht
Classification: Likely benign. Review status: no assertion criteria provided. Collection method: clinical testing. Allele origin: germline. Affected: yes. Study: VKGL Data-share Consensus. Not counted in ClinVar's aggregate classification.

Literature cited by the submitters: PubMed 31664448 (cited by Women's Health and Genetics/Laboratory Corporation of America, LabCorp); PubMed 31681265 (cited by Women's Health and Genetics/Laboratory Corporation of America, LabCorp).